The following is an entry in ClinVar:

ClinVar aggregate classification (germline): Uncertain significance. Review status: criteria provided, multiple submitters, no conflicts (2 of 4 stars). 2 submissions from 2 submitters: Uncertain significance (2). Last evaluated 2024-05-14.

Conditions:
Marfan syndrome (MFS). Also called: Marfan syndrome type 1; Marfan's syndrome; Marfan syndrome, classic; MARFAN SYNDROME, TYPE I; FBN1-Related Marfan Syndrome. Identifiers: Orphanet 284963, Orphanet 558, MedGen C0024796, MONDO:0007947, OMIM 154700.
Familial thoracic aortic aneurysm and aortic dissection (TAAD). Also called: Thoracic aortic aneurysms and dissections. Identifiers: Orphanet 91387, MedGen C4707243, MONDO:0019625.

Allele frequency attached by ClinVar (database versions not stated): TOPMed below 0.00001; gnomAD 0.00001; ExAC 0.00006; gnomAD exomes 0.00003.
gnomAD v4.1: 16 of 1,605,076 alleles (0.001%); highest among the groups gnomAD compares: Non-Finnish European, 0.0013%; no homozygotes.

Submissions (2):

All of Us Research Program, National Institutes of Health
Classification: Uncertain significance for Marfan syndrome. Last evaluated: 2024-05-14. Review status: criteria provided, single submitter. Criteria: ACMG Guidelines, 2015. Collection method: clinical testing. Allele origin: germline. Inheritance: Autosomal dominant inheritance. Observed: 4 variant alleles, 4 heterozygotes.
Comment: This variant causes a single nucleotide substitution in the 5' untranslated region of the FBN1 gene. To our knowledge, functional studies have not been reported for this variant. This variant has not been reported in individuals affected with cardiovascular disorders in the literature. This variant has been identified in 7/233138 chromosomes in the general population by the Genome Aggregation Database (gnomAD). The available evidence is insufficient to determine the role of this variant in disease conclusively. Therefore, this variant is classified as a Variant of Uncertain Significance.

This study involves interpretation of variants in research participants for the purpose of population health screening. Participant phenotype was not available at the time of variant classification. Additional details can be found in publication PMID: 35346344, PMCID: PMC8962531

Color Diagnostics, LLC DBA Color Health
Classification: Uncertain significance for Familial thoracic aortic aneurysm and aortic dissection. Last evaluated: 2024-03-19. Review status: criteria provided, single submitter. Criteria: ACMG Guidelines, 2015. Collection method: clinical testing. Allele origin: germline.
Comment: This variant causes a single nucleotide substitution in the 5' untranslated region of the FBN1 gene. To our knowledge, functional studies have not been reported for this variant. This variant has not been reported in individuals affected with cardiovascular disorders in the literature. This variant has been identified in 7/233138 chromosomes in the general population by the Genome Aggregation Database (gnomAD). The available evidence is insufficient to determine the role of this variant in disease conclusively. Therefore, this variant is classified as a Variant of Uncertain Significance.

NM_000138.5(FBN1):c.-7C>T

Gene: FBN1 (fibrillin 1; minus strand). Cytogenetic location: 15q21.1.
Variant type: single nucleotide variant.
Coding change: c.-7C>T on transcript NM_000138.5 (MANE Select); 7 bases upstream of the start codon, C replaced by T.
Molecular consequence: 5 prime UTR variant.
Genome position (GRCh38, 1-based): chr15:48,644,776, G>A on the plus strand (C>T on the coding strand, the complement: FBN1 is on the minus strand). VCF-style: chr15-48644776-G-A. GRCh37 (hg19) VCF-style: chr15-48936973-G-A.
Identifiers: ClinVar variation 1171690 (VCV001171690.6), dbSNP rs752581747, ClinGen allele CA059441.
Genomic context (GRCh38, chr15:48,644,776, plus strand): 5'-CGCTAAAAGCACGGTAAATCCCAGGGCGATCTCCAGCAGACGCCCTCGACGCATGATGCC[G>A]AGCCGCCACCGGCTCCCGCCGCCTCTTGCCGCGCCCGGGGCTCGGTCTGCGGCCGCCGCT-3'